The following is an entry in ClinVar:

NM_005559.4(LAMA1):c.8314C>T (p.Arg2772Cys)

Gene: LAMA1 (laminin subunit alpha 1; minus strand). Cytogenetic location: 18p11.31.
Variant type: single nucleotide variant.
Coding change: c.8314C>T on transcript NM_005559.4 (MANE Select); coding-DNA position 8314, C replaced by T.
Protein change: p.Arg2772Cys; replaces arginine 2772 with cysteine.
Molecular consequence: missense variant.
Genome position (GRCh38, 1-based): chr18:6,950,865, G>A on the plus strand (C>T on the coding strand, the complement: LAMA1 is on the minus strand). VCF-style: chr18-6950865-G-A. GRCh37 (hg19) VCF-style: chr18-6950864-G-A.
Other names: c.8314C>T (NM_005559.3); short protein forms R2772C.
Identifiers: ClinVar variation 1206240 (VCV001206240.9), dbSNP rs760542877, ClinGen allele CA8880513.

ClinVar aggregate classification (germline): Uncertain significance. Review status: criteria provided, multiple submitters, no conflicts (2 of 4 stars). 4 submissions from 4 submitters: Uncertain significance (2). 2 of the submissions do not count toward it. Last evaluated 2025-08-21.

Conditions:
Inborn genetic diseases. Identifiers: MedGen C0950123, MeSH D030342.

Allele frequency attached by ClinVar (database versions not stated): gnomAD 0.00002; gnomAD exomes 0.00008; ExAC 0.00009.
gnomAD v4.1: 106 of 1,613,994 alleles (0.0066%); highest among the groups gnomAD compares: Middle Eastern, 0.033%; no homozygotes.

Submissions (4):

Labcorp Genetics (formerly Invitae), Labcorp
Classification: Uncertain significance. Last evaluated: 2025-08-21. Review status: criteria provided, single submitter. Criteria: Invitae Variant Classification Sherloc (09022015). Collection method: clinical testing. Allele origin: germline.
Comment: This sequence change replaces arginine, which is basic and polar, with cysteine, which is neutral and slightly polar, at codon 2772 of the LAMA1 protein (p.Arg2772Cys). This variant is present in population databases (rs760542877, gnomAD 0.01%). This variant has not been reported in the literature in individuals affected with LAMA1-related conditions. ClinVar contains an entry for this variant (Variation ID: 1206240). Invitae Evidence Modeling of protein sequence and biophysical properties (such as structural, functional, and spatial information, amino acid conservation, physicochemical variation, residue mobility, and thermodynamic stability) indicates that this missense variant is not expected to disrupt LAMA1 protein function with a negative predictive value of 80%. In summary, the available evidence is currently insufficient to determine the role of this variant in disease. Therefore, it has been classified as a Variant of Uncertain Significance.

Ambry Genetics
Classification: Uncertain significance for Inborn genetic diseases. Last evaluated: 2024-08-21. Review status: criteria provided, single submitter. Criteria: Ambry Variant Classification Scheme 2023. Collection method: clinical testing. Allele origin: germline.

Clinical Genetics DNA and cytogenetics Diagnostics Lab, Erasmus MC, Erasmus Medical Center
Classification: Likely benign. Review status: no assertion criteria provided. Collection method: clinical testing. Allele origin: germline. Affected: yes. Study: VKGL Data-share Consensus. Not counted in ClinVar's aggregate classification.

Laboratory of Diagnostic Genome Analysis, Leiden University Medical Center (LUMC)
Classification: Likely benign. Review status: no assertion criteria provided. Collection method: clinical testing. Allele origin: germline. Affected: yes. Study: VKGL Data-share Consensus. Not counted in ClinVar's aggregate classification.